The following is an entry in ClinVar:

NM_001080517.3(SETD5):c.542C>T (p.Ala181Val)

Gene: SETD5 (SET domain containing 5; plus strand). Cytogenetic location: 3p25.3.
Variant type: single nucleotide variant.
Coding change: c.542C>T on transcript NM_001080517.3 (MANE Select); coding-DNA position 542, C replaced by T.
Protein change: p.Ala181Val; replaces alanine 181 with valine.
Molecular consequence: missense variant.
Genome position (GRCh38, 1-based): chr3:9,435,881, C>T. VCF-style: chr3-9435881-C-T. GRCh37 (hg19) VCF-style: chr3-9477565-C-T.
Other names: c.209C>T, p.Ala70Val (NM_001292043.2, NM_001349451.2); short protein forms A181V, A70V.
Identifiers: ClinVar variation 2497878 (VCV002497878.1), dbSNP rs1458906635, ClinGen allele CA351684551.

ClinVar aggregate classification (germline): Uncertain significance (1 of 4 stars; one submission).

Allele frequency attached by ClinVar (database versions not stated): gnomAD exomes below 0.00001; TOPMed below 0.00001; gnomAD 0.00001.

Submission:

GeneDx
Classification: Uncertain significance. Last evaluated: 2022-10-03. Review status: criteria provided, single submitter. Criteria: GeneDx Variant Classification Process June 2021. Collection method: clinical testing. Allele origin: germline. Affected: yes.
Comment: Not observed at significant frequency in large population cohorts (gnomAD); In silico analysis supports that this missense variant does not alter protein structure/function; Has not been previously published as pathogenic or benign to our knowledge